The following is an entry in ClinVar:

NM_000093.5(COL5A1):c.2485-147G>C

Gene: COL5A1 (collagen type V alpha 1 chain; plus strand). Cytogenetic location: 9q34.3.
Variant type: single nucleotide variant.
Coding change: c.2485-147G>C on transcript NM_000093.5 (MANE Select); 147 bases into the intron before coding-DNA position 2485, G replaced by C.
Molecular consequence: intron variant.
Genome position (GRCh38, 1-based): chr9:134,784,842, G>C. VCF-style: chr9-134784842-G-C. GRCh37 (hg19) VCF-style: chr9-137676688-G-C.
Other names: c.2485-147G>C (NM_001278074.1).
Identifiers: ClinVar variation 674558 (VCV000674558.2), dbSNP rs7873607, ClinGen allele CA201105018.

ClinVar aggregate classification (germline): Benign. Review status: criteria provided, multiple submitters, no conflicts (2 of 4 stars). 2 submissions from 2 submitters: Benign (2). Last evaluated 2018-06-14.

Allele frequency attached by ClinVar (database versions not stated): TOPMed 0.10968; gnomAD 0.11196; 1000 Genomes Project 0.11681; 1000 Genomes Project 30x 0.11711.
gnomAD v4.1: 54,275 of 670,670 alleles (8.1%); highest among the groups gnomAD compares: African/African-American, 20%; 3,020 homozygotes.

Submissions (2):

GeneDx
Classification: Benign. Last evaluated: 2018-06-14. Review status: criteria provided, single submitter. Criteria: GeneDx Variant Classification (06012015). Collection method: clinical testing. Allele origin: germline. Affected: yes.
Comment: This variant is considered likely benign or benign based on one or more of the following criteria: it is a conservative change, it occurs at a poorly conserved position in the protein, it is predicted to be benign by multiple in silico algorithms, and/or has population frequency not consistent with disease.

Breakthrough Genomics
Classification: Benign. Review status: criteria provided, single submitter. Criteria: ACMG Guidelines, 2015. Collection method: not provided. Allele origin: germline. Inheritance: Autosomal dominant inheritance. Affected: yes.